The following is an entry in ClinVar:

ClinVar aggregate classification (germline): Conflicting classifications of pathogenicity. Review status: criteria provided, conflicting classifications (1 of 4 stars). 14 submissions from 14 submitters: Uncertain significance (11); Likely benign (3). Last evaluated 2025-12-08.

Conditions:
Pheochromocytoma. Also called: MAX-Related Hereditary Paraganglioma-Pheochromocytoma Syndrome. Identifiers: Orphanet 29072, MedGen C0031511, MONDO:0008233, OMIM 171300, HP:0002666.
Hirschsprung disease, susceptibility to, 1 (HSCR1). Also called: RET-Related Hirschsprung Disease. Identifiers: Orphanet 388, MedGen C3888239, MONDO:0007723, OMIM 142623.
Familial medullary thyroid carcinoma (MTC). Also called: Thyroid cancer, familial medullary; MTC, familial; Familial Medullary Thyroid Carcinoma (FMTC). Identifiers: Orphanet 653, Orphanet 99361, MedGen C1833921, MONDO:0007958, OMIM 155240.
Multiple endocrine neoplasia type 2B. Also called: WAGENMANN-FROBOESE SYNDROME; MULTIPLE ENDOCRINE NEOPLASIA, TYPE III; MEN 2B; MUCOSAL NEUROMA SYNDROME; MULTIPLE ENDOCRINE NEOPLASIA, TYPE IIB; MEN IIB. Identifiers: Orphanet 247709, Orphanet 653, MedGen C0025269, MeSH D018814, MONDO:0008082, OMIM 162300.
Multiple endocrine neoplasia type 2A. Also called: MULTIPLE ENDOCRINE NEOPLASIA, TYPE IIA; PTC SYNDROME; SIPPLE SYNDROME; MEN 2A; MEN-2A syndrome; Pheochromocytoma and amyloid producing medullary thyroid carcinoma. Identifiers: Orphanet 247698, Orphanet 653, MedGen C0025268, MeSH D018813, MONDO:0008234, OMIM 171400.
Hereditary cancer. Identifiers: MedGen C1333600.
RET-related disorder. Also called: RET-related disorders; RET-related condition; RET-related disease.
Hereditary cancer-predisposing syndrome. Also called: Tumor predisposition; Hereditary neoplastic syndrome; Neoplastic Syndromes, Hereditary; Hereditary Cancer Syndrome. Identifiers: Orphanet 140162, MedGen C0027672, MeSH D009386, MONDO:0015356.
Multiple endocrine neoplasia, type 2 (MEN2). Identifiers: Orphanet 653, MedGen C4048306, MONDO:0019003. Disease mechanism: gain of function.

Allele frequency attached by ClinVar (database versions not stated): gnomAD exomes 0.00002 and 0.00003; TOPMed 0.00002; gnomAD 0.00003; ExAC 0.00004; 1000 Genomes Project 30x 0.00016; 1000 Genomes Project 0.00020.
gnomAD v4.1: 42 of 1,613,850 alleles (0.0026%); highest among the groups gnomAD compares: Admixed American, 0.017%; no homozygotes.

Submissions (14):

Labcorp Genetics (formerly Invitae), Labcorp
Classification: Uncertain significance for Multiple endocrine neoplasia, type 2. Last evaluated: 2025-12-08. Review status: criteria provided, single submitter. Criteria: Invitae Variant Classification Sherloc (09022015). Collection method: clinical testing. Allele origin: germline.
Comment: This sequence change replaces arginine, which is basic and polar, with glutamine, which is neutral and polar, at codon 1050 of the RET protein (p.Arg1050Gln). This variant is present in population databases (rs200956659, gnomAD 0.01%). This missense change has been observed in individual(s) with RET-related cancer (PMID: 30256826, 34663841, 35264596). ClinVar contains an entry for this variant (Variation ID: 241358). An algorithm developed to predict the effect of missense changes on protein structure and function (PolyPhen-2) suggests that this variant is likely to be disruptive. In summary, the available evidence is currently insufficient to determine the role of this variant in disease. Therefore, it has been classified as a Variant of Uncertain Significance.

PreventionGenetics, part of Exact Sciences
Classification: Uncertain significance for RET-related condition. Last evaluated: 2025-09-19. Review status: criteria provided, single submitter. Criteria: ACMG Guidelines, 2015. Collection method: clinical testing. Allele origin: germline.
Comment: The RET c.3149G>A variant is predicted to result in the amino acid substitution p.Arg1050Gln. This variant was reported in two individuals with breast cancer (Table S3, Guindalini et al. 2022. PubMed ID: 35264596). This variant is reported in 0.011% of alleles in individuals of Latino descent in gnomAD and is interpreted as uncertain by the majority of labs in ClinVar (ID: 241358). At this time, the clinical significance of this variant is uncertain due to the absence of conclusive functional and genetic evidence.

Quest Diagnostics Nichols Institute San Juan Capistrano
Classification: Uncertain significance. Last evaluated: 2025-03-05. Review status: criteria provided, single submitter. Criteria: Quest Diagnostics criteria. Collection method: clinical testing. Allele origin: unknown.

Women's Health and Genetics/Laboratory Corporation of America, LabCorp
Classification: Uncertain significance. Last evaluated: 2024-11-21. Review status: criteria provided, single submitter. Criteria: LabCorp Variant Classification Summary - May 2015. Collection method: clinical testing. Allele origin: germline.
Comment: Variant summary: RET c.3149G>A (p.Arg1050Gln) results in a conservative amino acid change in the encoded protein sequence. Four of five in-silico tools predict a damaging effect of the variant on protein function. The variant allele was found at a frequency of 2.8e-05 in 251420 control chromosomes. The available data on variant occurrences in the general population are insufficient to allow any conclusion about variant significance. To our knowledge, no occurrence of c.3149G>A in individuals affected with Hirschsprung Disease and no experimental evidence demonstrating its impact on protein function have been reported. ClinVar contains an entry for this variant (Variation ID: 241358). Based on the evidence outlined above, the variant was classified as uncertain significance.

All of Us Research Program, National Institutes of Health
Classification: Uncertain significance for Multiple endocrine neoplasia, type 2. Last evaluated: 2024-09-23. Review status: criteria provided, single submitter. Criteria: ACMG Guidelines, 2015. Collection method: clinical testing. Allele origin: germline. Inheritance: Autosomal dominant inheritance. Observed: 19 variant alleles, 19 heterozygotes.
Comment: This missense variant replaces arginine with glutamine at codon 1050 of the RET protein. Computational prediction suggests that this variant may not impact protein structure and function (internally defined REVEL score threshold <= 0.5, PMID: 27666373). To our knowledge, functional studies have not been reported for this variant. This variant has been reported in an individual or family affected with Lynch syndrome (PMID: 30256826) and an individual affected with esophageal squamous cell carcinoma (PMID: 34663841). This variant has been identified in 9/282756 chromosomes in the general population by the Genome Aggregation Database (gnomAD). The available evidence is insufficient to determine the role of this variant in disease conclusively. Therefore, this variant is classified as a Variant of Uncertain Significance.

This study involves interpretation of variants in research participants for the purpose of population health screening. Participant phenotype was not available at the time of variant classification. Additional details can be found in publication PMID: 35346344, PMCID: PMC8962531

GeneDx
Classification: Uncertain significance. Last evaluated: 2024-08-14. Review status: criteria provided, single submitter. Criteria: GeneDx Variant Classification Process June 2021. Collection method: clinical testing. Allele origin: germline. Affected: yes.
Comment: In silico analysis indicates that this missense variant does not alter protein structure/function; Observed in individuals with colorectal, breast, and other cancers (PMID: 30256826, 34663841, 35264596); This variant is associated with the following publications: (PMID: 24336963, 14633923, 30256826, 34663841, 35264596)

Color Diagnostics, LLC DBA Color Health
Classification: Uncertain significance for Multiple endocrine neoplasia, type 2. Last evaluated: 2024-05-15. Review status: criteria provided, single submitter. Criteria: ACMG Guidelines, 2015. Collection method: clinical testing. Allele origin: germline.
Comment: This missense variant replaces arginine with glutamine at codon 1050 of the RET protein. Computational prediction suggests that this variant may not impact protein structure and function. To our knowledge, functional studies have not been reported for this variant. This variant has been reported in an individual or family affected with Lynch syndrome (PMID: 30256826), an individual affected with esophageal squamous cell carcinoma (PMID: 34663841) and individuals affected with breast cancer (PMID: 35264596). This variant has been identified in 9/282756 chromosomes in the general population by the Genome Aggregation Database (gnomAD). The available evidence is insufficient to determine the role of this variant in disease conclusively. Therefore, this variant is classified as a Variant of Uncertain Significance.

Fulgent Genetics
Classification: Likely benign for Hirschsprung disease, susceptibility to, 1; Familial medullary thyroid carcinoma; Multiple endocrine neoplasia type 2B; Pheochromocytoma; Multiple endocrine neoplasia type 2A. Last evaluated: 2024-05-09. Review status: criteria provided, single submitter. Criteria: ACMG Guidelines, 2015. Collection method: clinical testing. Allele origin: germline.

Blueprint Genetics
Classification: Uncertain significance. Last evaluated: 2024-03-28. Review status: criteria provided, single submitter. Criteria: ACMG Guidelines, 2015. Collection method: clinical testing. Allele origin: germline.

Baylor Genetics
Classification: Uncertain significance for Hirschsprung disease, susceptibility to, 1. Last evaluated: 2024-03-22. Review status: criteria provided, single submitter. Criteria: ACMG Guidelines, 2015. Collection method: clinical testing. Allele origin: unknown.

Mendelics
Classification: Likely benign for Hereditary cancer. Last evaluated: 2024-01-23. Review status: criteria provided, single submitter. Criteria: ACMG Guidelines, 2015. Collection method: clinical testing. Allele origin: unknown.

Sema4
Classification: Uncertain significance for Hereditary cancer-predisposing syndrome. Last evaluated: 2021-12-10. Review status: criteria provided, single submitter. Criteria: Sema4 Curation Guidelines. Collection method: curation. Allele origin: germline.
Comment: The RET c.3149G>A (p.R1050Q) variant has not been reported in the literature to our knowledge. This variant was observed in 4/35432 chromosomes in the Latino population according to the Genome Aggregation Database (PMID: 32461654). This variant has been reported in ClinVar (Variation ID 241358). Functional studies have not been performed, and in silico predictions of the variant's effect on protein function are inconclusive. The overall evidence is insufficient to meet ACMG/AMP criteria for classifying it as benign or pathogenic. In summary, the clinical significance of this variant is currently uncertain.

Ambry Genetics
Classification: Likely benign for Hereditary cancer-predisposing syndrome. Last evaluated: 2021-08-09. Review status: criteria provided, single submitter. Criteria: Ambry Variant Classification Scheme 2023. Collection method: clinical testing. Allele origin: germline.

Centre for Mendelian Genomics, University Medical Centre Ljubljana
Classification: Uncertain significance for Multiple endocrine neoplasia type 2B. Last evaluated: 2019-10-17. Review status: criteria provided, single submitter. Criteria: ACMG Guidelines, 2015. Collection method: clinical testing. Allele origin: unknown. Affected: yes.
Comment: This variant was classified as: Uncertain significance. The available evidence on this variant's pathogenicity is insufficient or conflicting. The following ACMG criteria were applied in classifying this variant: PP3.

Literature cited by the submitters: PubMed 30256826 (cited by 3 submitters); PubMed 34663841 (cited by 3 submitters); PubMed 35264596 (cited by Labcorp Genetics (formerly Invitae), Labcorp and Color Diagnostics, LLC DBA Color Health).

NM_020975.6(RET):c.3149G>A (p.Arg1050Gln)

Gene: RET (ret proto-oncogene; plus strand). Cytogenetic location: 10q11.21.
Variant type: single nucleotide variant.
Coding change: c.3149G>A on transcript NM_020975.6 (MANE Select); coding-DNA position 3149, G replaced by A.
Protein change: p.Arg1050Gln; replaces arginine 1050 with glutamine.
Molecular consequence: missense variant.
Genome position (GRCh38, 1-based): chr10:43,126,684, G>A. VCF-style: chr10-43126684-G-A. GRCh37 (hg19) VCF-style: chr10-43622132-G-A.
Other names: c.3149G>A, p.Arg1050Gln (NM_000323.2, NM_001406743.1, NM_001406744.1 and 2 more transcripts); c.2387G>A, p.Arg796Gln (NM_001355216.2); c.3020G>A, p.Arg1007Gln (NM_001406761.1, NM_001406762.1, NM_001406764.1); c.3014G>A, p.Arg1005Gln (NM_001406763.1, NM_001406765.1); c.2861G>A, p.Arg954Gln (NM_001406766.1, NM_001406767.1, NM_001406770.1); c.2885G>A, p.Arg962Gln (NM_001406768.1); c.2252G>A, p.Arg751Gln (NM_001406780.1, NM_001406781.1, NM_001406782.1 and 1 more transcripts); c.2123G>A, p.Arg708Gln (NM_001406783.1, NM_001406786.1); and 10 more; short protein forms R1050Q, R796Q, R720Q, R875Q, R1005Q, R655Q, R751Q, R918Q.
Identifiers: ClinVar variation 241358 (VCV000241358.34), dbSNP rs200956659, ClinGen allele CA042811.